The following is an entry in ClinVar:

NM_000395.3(CSF2RB):c.56G>A (p.Arg19His)

Gene: CSF2RB (colony stimulating factor 2 receptor subunit beta; plus strand). Cytogenetic location: 22q12.3.
Variant type: single nucleotide variant.
Coding change: c.56G>A on transcript NM_000395.3 (MANE Select); coding-DNA position 56, G replaced by A.
Protein change: p.Arg19His; replaces arginine 19 with histidine.
Molecular consequence: missense variant.
Genome position (GRCh38, 1-based): chr22:36,922,263, G>A. VCF-style: chr22-36922263-G-A. GRCh37 (hg19) VCF-style: chr22-37318305-G-A.
Other names: c.56G>A, p.Arg19His (NM_001410827.1); short protein forms R19H.
Identifiers: ClinVar variation 2422111 (VCV002422111.6), dbSNP rs777889990, ClinGen allele CA10213324.

ClinVar aggregate classification (germline): Uncertain significance (1 of 4 stars; one submission).

Allele frequency attached by ClinVar (database versions not stated): gnomAD exomes 0.00001; TOPMed 0.00001; ExAC 0.00010.
gnomAD v4.1: 15 of 1,579,358 alleles (0.00095%); highest among the groups gnomAD compares: African/African-American, 0.0013%; no homozygotes.

Submission:

Labcorp Genetics (formerly Invitae), Labcorp
Classification: Uncertain significance. Last evaluated: 2025-09-28. Review status: criteria provided, single submitter. Criteria: Invitae Variant Classification Sherloc (09022015). Collection method: clinical testing. Allele origin: germline.
Comment: This sequence change replaces arginine, which is basic and polar, with histidine, which is basic and polar, at codon 19 of the CSF2RB protein (p.Arg19His). The frequency data for this variant in the population databases is considered unreliable, as metrics indicate poor data quality at this position in the gnomAD database. This variant has not been reported in the literature in individuals affected with CSF2RB-related conditions. ClinVar contains an entry for this variant (Variation ID: 2422111). Invitae Evidence Modeling of protein sequence and biophysical properties (such as structural, functional, and spatial information, amino acid conservation, physicochemical variation, residue mobility, and thermodynamic stability) indicates that this missense variant is not expected to disrupt CSF2RB protein function with a negative predictive value of 80%. In summary, the available evidence is currently insufficient to determine the role of this variant in disease. Therefore, it has been classified as a Variant of Uncertain Significance.